The following is an entry in ClinVar:

ClinVar aggregate classification (germline): Uncertain significance (1 of 4 stars; one submission).

Conditions:
Charcot-Marie-Tooth disease axonal type 2S. Also called: CHARCOT-MARIE-TOOTH NEUROPATHY, TYPE 2S; CHARCOT-MARIE-TOOTH DISEASE, AXONAL, AUTOSOMAL RECESSIVE, TYPE 2S. Identifiers: Orphanet 443073, MedGen C4015349, MONDO:0014511, OMIM 616155.

Submission:

Neuberg Centre For Genomic Medicine, NCGM
Classification: Uncertain significance for Charcot-Marie-Tooth disease axonal type 2S. Last evaluated: 2024-02-01. Review status: criteria provided, single submitter. Criteria: ACMG Guidelines, 2015. Collection method: clinical testing. Allele origin: germline. Inheritance: Autosomal recessive inheritance.
Comment: This variant in IGHMBP2 gene has not been reported previously as a pathogenic variant nor as a benign variant, to our knowledge.

NM_002180.3(IGHMBP2):c.2738G>T (p.Cys913Phe)

Gene: IGHMBP2 (immunoglobulin mu DNA binding protein 2; plus strand). Cytogenetic location: 11q13.3.
Variant type: single nucleotide variant.
Coding change: c.2738G>T on transcript NM_002180.3 (MANE Select); coding-DNA position 2738, G replaced by T.
Protein change: p.Cys913Phe; replaces cysteine 913 with phenylalanine.
Molecular consequence: missense variant.
Genome position (GRCh38, 1-based): chr11:68,938,308, G>T. VCF-style: chr11-68938308-G-T. GRCh37 (hg19) VCF-style: chr11-68705776-G-T.
Other names: short protein forms C913F.
Identifiers: ClinVar variation 3898038 (VCV003898038.1).